The following is an entry in ClinVar:

NM_000268.4(NF2):c.1229A>G (p.Gln410Arg)

Gene: NF2 (NF2, moesin-ezrin-radixin like (MERLIN) tumor suppressor; plus strand). Cytogenetic location: 22q12.2.
Variant type: single nucleotide variant.
Coding change: c.1229A>G on transcript NM_000268.4 (MANE Select); coding-DNA position 1229, A replaced by G.
Protein change: p.Gln410Arg; replaces glutamine 410 with arginine.
Molecular consequence: missense variant. On other transcripts: non-coding transcript variant (1), intron variant (1).
Genome position (GRCh38, 1-based): chr22:29,673,375, A>G. VCF-style: chr22-29673375-A-G. GRCh37 (hg19) VCF-style: chr22-30069364-A-G.
Other names: c.1115A>G, p.Gln372Arg (NM_001407053.1, NM_001407056.1); c.1106A>G, p.Gln369Arg (NM_001407054.1, NM_001407058.1, NM_181829.3); c.1103A>G, p.Gln368Arg (NM_001407055.1, NM_181828.3); c.1094A>G, p.Gln365Arg (NM_001407057.1, NM_001407059.1); c.1229A>G, p.Gln410Arg (NM_001407060.1, NM_001407066.1, NM_016418.5 and 2 more transcripts); c.971A>G, p.Gln324Arg (NM_001407062.1); c.980A>G, p.Gln327Arg (NM_001407063.1, NM_001407064.1, NM_181830.3 and 1 more transcripts); c.695A>G, p.Gln232Arg (NM_001407065.1); and 2 more; short protein forms Q327R, Q368R, Q324R, Q365R, Q372R, Q333R, Q369R, Q232R.
Identifiers: ClinVar variation 1754964 (VCV001754964.3), dbSNP rs1298310583, ClinGen allele CA411148251.

ClinVar aggregate classification (germline): Uncertain significance. Review status: criteria provided, multiple submitters, no conflicts (2 of 4 stars). 2 submissions from 2 submitters: Uncertain significance (2). Last evaluated 2025-12-24.

Conditions:
Neurofibromatosis, type 2 (SWNV). Also called: SCHWANNOMATOSIS, VESTIBULAR; NF2-Related Schwannomatosis; BILATERAL ACOUSTIC NEUROFIBROMATOSIS. Identifiers: Orphanet 637, MedGen C0027832, MONDO:0007039, OMIM 101000. Disease mechanism: loss of function.
Hereditary cancer-predisposing syndrome. Also called: Hereditary Cancer Syndrome; Hereditary neoplastic syndrome; Neoplastic Syndromes, Hereditary; Tumor predisposition. Identifiers: Orphanet 140162, MedGen C0027672, MeSH D009386, MONDO:0015356.

Submissions (2):

Labcorp Genetics (formerly Invitae), Labcorp
Classification: Uncertain significance for Neurofibromatosis, type 2. Last evaluated: 2025-12-24. Review status: criteria provided, single submitter. Criteria: Invitae Variant Classification Sherloc (09022015). Collection method: clinical testing. Allele origin: germline.
Comment: This sequence change replaces glutamine, which is neutral and polar, with arginine, which is basic and polar, at codon 410 of the NF2 protein (p.Gln410Arg). This variant is not present in population databases (gnomAD no frequency). This variant has not been reported in the literature in individuals affected with NF2-related conditions. ClinVar contains an entry for this variant (Variation ID: 1754964). Invitae Evidence Modeling of protein sequence and biophysical properties (such as structural, functional, and spatial information, amino acid conservation, physicochemical variation, residue mobility, and thermodynamic stability) indicates that this missense variant is not expected to disrupt NF2 protein function with a negative predictive value of 80%. In summary, the available evidence is currently insufficient to determine the role of this variant in disease. Therefore, it has been classified as a Variant of Uncertain Significance.

Ambry Genetics
Classification: Uncertain significance for Hereditary cancer-predisposing syndrome. Last evaluated: 2022-02-07. Review status: criteria provided, single submitter. Criteria: Ambry Variant Classification Scheme 2023. Collection method: clinical testing. Allele origin: germline.
Comment: The p.Q410R variant (also known as c.1229A>G), located in coding exon 12 of the NF2 gene, results from an A to G substitution at nucleotide position 1229. The glutamine at codon 410 is replaced by arginine, an amino acid with highly similar properties. This amino acid position is conserved. In addition, the in silico prediction for this alteration is inconclusive. Since supporting evidence is limited at this time, the clinical significance of this alteration remains unclear.